The following is an entry in ClinVar:

ClinVar aggregate classification (germline): Benign/Likely benign. Review status: criteria provided, multiple submitters, no conflicts (2 of 4 stars). 3 submissions from 3 submitters: Benign (1); Likely benign (2). Last evaluated 2025-12-22.

Conditions:
Hereditary cancer-predisposing syndrome. Also called: Hereditary Cancer Syndrome; Hereditary neoplastic syndrome; Neoplastic Syndromes, Hereditary; Tumor predisposition. Identifiers: Orphanet 140162, MedGen C0027672, MeSH D009386, MONDO:0015356.
Oligodontia-cancer predisposition syndrome. Also called: TOOTH AGENESIS-COLORECTAL CANCER SYNDROME. Identifiers: Orphanet 300576, MedGen C1837750, MONDO:0012075, OMIM 608615. Disease mechanism: loss of function.

Allele frequency attached by ClinVar (database versions not stated): TOPMed 0.00001.

Submissions (3):

Labcorp Genetics (formerly Invitae), Labcorp
Classification: Likely benign for Oligodontia-cancer predisposition syndrome. Last evaluated: 2025-12-22. Review status: criteria provided, single submitter. Criteria: Invitae Variant Classification Sherloc (09022015). Collection method: clinical testing. Allele origin: germline.

Myriad Genetics, Inc.
Classification: Benign for Oligodontia-cancer predisposition syndrome. Last evaluated: 2024-07-11. Review status: criteria provided, single submitter. Criteria: Myriad Autosomal Dominant, Autosomal Recessive and X-Linked Classification Criteria (2023). Collection method: clinical testing. Allele origin: unknown.
Comment: This variant is considered benign. This variant is a silent/synonymous amino acid change and it is not expected to impact splicing.

Ambry Genetics
Classification: Likely benign for Hereditary cancer-predisposing syndrome. Last evaluated: 2022-05-24. Review status: criteria provided, single submitter. Criteria: Ambry Variant Classification Scheme 2023. Collection method: clinical testing. Allele origin: germline.

NM_004655.4(AXIN2):c.2529T>C (p.Asp843=)

Gene: AXIN2 (axin 2; minus strand). Cytogenetic location: 17q24.1.
Variant type: single nucleotide variant.
Coding change: c.2529T>C on transcript NM_004655.4 (MANE Select); coding-DNA position 2529, T replaced by C.
Protein change: p.Asp843=; no amino-acid change (aspartic acid 843 retained).
Molecular consequence: synonymous variant.
Genome position (GRCh38, 1-based): chr17:65,529,979, A>G on the plus strand (T>C on the coding strand, the complement: AXIN2 is on the minus strand). VCF-style: chr17-65529979-A-G. GRCh37 (hg19) VCF-style: chr17-63526097-A-G.
Other names: c.2334T>C, p.Asp778= (NM_001363813.1).
Identifiers: ClinVar variation 1568925 (VCV001568925.11), dbSNP rs2043789296, ClinGen allele CA501475681.